The following continues an entry in ClinVar:

NM_024675.4(PALB2):c.53A>G (p.Lys18Arg)

Gene: PALB2. ClinVar aggregate classification (germline): Conflicting classifications of pathogenicity. Uncertain significance (1); Benign (12); Likely benign (5).

Submissions 23 to 31 of 31:

Department of Pathology and Laboratory Medicine, Sinai Health System
Classification: Likely benign. Review status: no assertion criteria provided. Collection method: clinical testing. Allele origin: unknown. Affected: yes. Study: The Canadian Open Genetics Repository (COGR). Not counted in ClinVar's aggregate classification.
Comment: The PALB2 p.Lys18Arg variant was identified in 20 of 8974 proband chromosomes (frequency: 0.002) from German, Russian, French, (African) American and Australian individuals or families with breast cancer (BRCA1/2 negative or familial or early onset) and early onset prostate cancer, and was identified in 2 of 6682 chromosomes from healthy individuals (frequency: 0.0003) (Bogdanova_2011_21165770, Damiola_2015_26564480, Ding_2011_21113654 , Nguyen_Dumont_2015, Thompson_2015_26283626, Zheng_2012_21932393, Tischkowitz_2008_18288683, Bodian_2014_24728327). Functional analysis of PALB2 interaction with BRCA1 showed the variant did not significantly affect complex formation, while partially impairing HR (homologous recombination) DNA repair activity of PALB2 (Foo_2017_ 28319063). The variant was also identified in dbSNP (ID: rs138789658) â€šÃ„ÃºWith other alleleâ€šÃ„Ã¹, ClinVar (classified with conflicting interpretations of pathogencity; submitters: benign by GeneDx, Ambry Genetics, Invitae, Color Genomics, Center for Pediatric Genomic Medicine (Children's Mercy Hospital and Clinics) and Pathway Genomics; likely benign by PALB2 database, Genetic Services Laboratory (University of Chicago), Illumina; uncertain significance by Cancer Genetics Laboratoy (Peter MacCallum Cancer Center), and classification not provided by ITMI), Clinvitae (5x), LOVD 3.0 (1x), Zhejiang Colon Cancer Database (1x) and was not identified in MutDB. The variant was identified in control databases in 489 (3 homozygous) of 277224 chromosomes at a frequency of 0.002 increasing the likelihood this could be a low frequency benign variant (Genome Aggregation Database Feb 27, 2017). Observations by population include African in 440 (3 homozygous) of 24030 chromosomes (freq: 0.02), Other in 4 of 6464 chromosomes (freq: 0.0006), Latino in 32 of 34420 chromosomes (freq: 0.0009), European Non-Finnish in 12 of 126714 chromosomes (freq: 0.0001), East Asian in 1 of 18868 chromosomes (freq: 0.00005); it was not observed in the Ashkenazi Jewish, European Finnish, and South Asian populations. The p.Lys18 residue is conserved in in mammals but not in more distantly related organisms however computational analyses (PolyPhen-2, SIFT, AlignGVGD, BLOSUM, MutationTaster) do not suggest a high likelihood the variant Arg impacts the protein; this information is not predictive enough to rule out pathogenicity. The variant occurs outside of the splicing consensus sequence and 1 of 5 in silico or computational prediction software programs (SpliceSiteFinder, MaxEntScan, NNSPLICE, GeneSplicer, HumanSpliceFinder) predict a greater than 10% difference in splicing; this is not very predictive of pathogenicity. In summary, based on the above information the clinical significance of this variant cannot be determined with certainty at this time although we would lean towards a more benign role for this variant. This variant is classified as likely benign.

Dr. Peter K. Rogan Lab, Western University
No classification provided (evidence only). Condition: Acute myeloid leukemia. Review status: no classification provided. Collection method: in vitro. Allele origin: not applicable. Functional consequence: retained intron. Not counted in ClinVar's aggregate classification.

Dr. Peter K. Rogan Lab, Western University
No classification provided (evidence only). Condition: Uterine corpus endometrial carcinoma. Review status: no classification provided. Collection method: in vitro. Allele origin: not applicable. Functional consequence: retained intron. Not counted in ClinVar's aggregate classification.

Dr. Peter K. Rogan Lab, Western University
No classification provided (evidence only). Condition: Cervical cancer. Review status: no classification provided. Collection method: in vitro. Allele origin: not applicable. Functional consequence: retained intron. Not counted in ClinVar's aggregate classification.

Dr. Peter K. Rogan Lab, Western University
No classification provided (evidence only). Condition: Sarcoma. Review status: no classification provided. Collection method: in vitro. Allele origin: not applicable. Functional consequence: retained intron. Not counted in ClinVar's aggregate classification.

Dr. Peter K. Rogan Lab, Western University
No classification provided (evidence only). Condition: Malignant tumor of esophagus. Review status: no classification provided. Collection method: in vitro. Allele origin: not applicable. Functional consequence: skipped exon, retained intron. Not counted in ClinVar's aggregate classification.

Genome Diagnostics Laboratory, Amsterdam University Medical Center
Classification: Benign. Review status: no assertion criteria provided. Collection method: clinical testing. Allele origin: germline. Affected: yes. Study: VKGL Data-share Consensus. Not counted in ClinVar's aggregate classification.

Genome Diagnostics Laboratory, University Medical Center Utrecht
Classification: Benign. Review status: no assertion criteria provided. Collection method: clinical testing. Allele origin: germline. Affected: yes. Study: VKGL Data-share Consensus. Not counted in ClinVar's aggregate classification.

Joint Genome Diagnostic Labs from Nijmegen and Maastricht, Radboudumc and MUMC+
Classification: Benign. Review status: no assertion criteria provided. Collection method: clinical testing. Allele origin: germline. Affected: yes. Study: VKGL Data-share Consensus. Not counted in ClinVar's aggregate classification.

Literature cited by the submitters: PubMed 18288683 (cited by Leiden Open Variation Database and Pathway Genomics); PubMed 21113654 (cited by Leiden Open Variation Database); PubMed 21165770 (cited by Leiden Open Variation Database); PubMed 21932393 (cited by Leiden Open Variation Database and Pathway Genomics); PubMed 24728327 (cited by ITMI).